The following is an entry in ClinVar:

NM_030632.3(ASXL3):c.4660G>A (p.Ala1554Thr)

Gene: ASXL3 (ASXL transcriptional regulator 3; plus strand). Cytogenetic location: 18q12.1.
Variant type: single nucleotide variant.
Coding change: c.4660G>A on transcript NM_030632.3 (MANE Select); coding-DNA position 4660, G replaced by A.
Protein change: p.Ala1554Thr; replaces alanine 1554 with threonine.
Molecular consequence: missense variant.
Genome position (GRCh38, 1-based): chr18:33,744,508, G>A. VCF-style: chr18-33744508-G-A. GRCh37 (hg19) VCF-style: chr18-31324472-G-A.
Other names: short protein forms A1554T.
Identifiers: ClinVar variation 1691601 (VCV001691601.3), dbSNP rs377458064, ClinGen allele CA8934307.

ClinVar aggregate classification (germline): Uncertain significance (1 of 4 stars; one submission).

Allele frequency attached by ClinVar (database versions not stated): gnomAD exomes below 0.00001; TOPMed below 0.00001; ExAC 0.00001; gnomAD 0.00001; ESP Exome Variant Server 0.00008.
gnomAD v4.1: 2 of 1,612,012 alleles (0.00012%); highest among the groups gnomAD compares: African/African-American, 0.0013%; no homozygotes.

Submission:

GeneDx
Classification: Uncertain significance. Last evaluated: 2022-06-09. Review status: criteria provided, single submitter. Criteria: GeneDx Variant Classification Process June 2021. Collection method: clinical testing. Allele origin: germline. Affected: yes.
Comment: In silico analysis supports that this missense variant does not alter protein structure/function; Has not been previously published as pathogenic or benign to our knowledge; Not observed at significant frequency in large population cohorts (gnomAD)